The following is an entry in ClinVar:

NM_001267550.2(TTN):c.45567C>G (p.Tyr15189Ter)

Genes: TTN (titin; minus strand), LOC126806427 (BRD4-independent group 4 enhancer GRCh37_chr2:179485777-179486976; plus strand). Cytogenetic location: 2q31.2.
Variant type: single nucleotide variant.
Coding change: c.45567C>G on transcript NM_001267550.2 (MANE Select); coding-DNA position 45567, C replaced by G.
Protein change: p.Tyr15189Ter; replaces tyrosine 15189 with a stop codon.
Molecular consequence: nonsense.
Genome position (GRCh38, 1-based): chr2:178,621,151, G>C on the plus strand (C>G on the coding strand, the complement: TTN is on the minus strand). VCF-style: chr2-178621151-G-C. GRCh37 (hg19) VCF-style: chr2-179485878-G-C.
Other names: c.40644C>G, p.Tyr13548Ter (NM_001256850.1); c.18372C>G, p.Tyr6124Ter (NM_003319.4); c.37863C>G, p.Tyr12621Ter (NM_133378.4); c.18747C>G, p.Tyr6249Ter (NM_133432.3); c.18948C>G, p.Tyr6316Ter (NM_133437.4); short protein forms Y12621*, Y13548*, Y15189*, Y6124*, Y6249*, Y6316*.
Identifiers: ClinVar variation 3377510 (VCV003377510.2).
Genomic context (GRCh38, chr2:178,621,151, plus strand): 5'-AACAAACTTACCAATGACTGTCAAGTGAGCTGCTGCTCTGGCGGCCCCTACCATGACAAC[G>C]TAAGTGCCCATATCTTGTAATGTGGCATCTTTCACAACTAGGACCCTCTTTTTACCATCA-3'

ClinVar aggregate classification (germline): Likely pathogenic. Review status: criteria provided, multiple submitters, no conflicts (2 of 4 stars). 2 submissions from 2 submitters: Likely pathogenic (2). Last evaluated 2024-09-20.

Conditions:
TTN-related disorder. Also called: TTN-related disorders; TTN-related condition; TTN-related disease.
Dilated cardiomyopathy 1G (CMD1G). Identifiers: Orphanet 154, MedGen C1858763, MONDO:0011400, OMIM 604145.

Submissions (2):

Victorian Clinical Genetics Services, Murdoch Childrens Research Institute
Classification: Likely pathogenic for Dilated cardiomyopathy 1G. Last evaluated: 2024-09-20. Review status: criteria provided, single submitter. Criteria: ACMG Guidelines, 2015. Collection method: clinical testing. Allele origin: germline. Inheritance: Autosomal dominant inheritance. Affected: yes.
Comment: Based on the classification scheme VCGS_Germline_v1.3.4, this variant is classified as Likely pathogenic. Following criteria are met: 0102 - Loss of function is known mechanism of disease in this gene. In addition, dominant-negative is also a suggested mechanism. (PMID: 25589632). (I) 0108 - This gene is associated with both recessive and dominant disease (OMIM). (I) 0112 - The condition associated with this gene has incomplete penetrance. Variants in this gene that result in a premature termination codon (PTC) are known to have reduced penetrance in DCM (PMID: 25589632). (I) 0201 - Variant is predicted to cause nonsense-mediated decay (NMD) and loss of protein (premature termination codon is located at least 54 nucleotides upstream of the final exon-exon junction). (SP) 0251 - This variant is heterozygous. (I) 0301 - Variant is absent from gnomAD (both v2 and v3). (SP) 0600 - Variant is located in the annotated I-band and the exon has a PSI score of 100% (PMID: 25589632). (I) 0702 - Other NMD-predicted variants comparable to the one identified in this case have strong previous evidence for pathogenicity (ClinVar). (SP) 0803 - This variant has limited previous evidence of pathogenicity in unrelated individuals. Two alternative nucleotide changes resulting in the same premature termination codon have been reported, one as likely pathogenic (LOVD, no further information) and another in two compound heterozygous siblings with nonsyndromic arthrogryposis multiplex congenita (PMID: 24319099). (SP) 0905 - No published segregation evidence has been identified for this variant. (I) 1007 - No published functional evidence has been identified for this variant. (I) 1208 - Inheritance information for this variant is not currently available in this individual. (I) Legend: (SP) - Supporting pathogenic, (I) - Information, (SB) - Supporting benign

Blueprint Genetics
Classification: Likely pathogenic for TTN-related disorders. Last evaluated: 2021-03-31. Review status: criteria provided, single submitter. Criteria: ACMG Guidelines, 2015. Collection method: clinical testing. Allele origin: germline. Affected: yes. Observed: 3 variant alleles.

Literature cited by the submitters: PubMed 24319099 (cited by Victorian Clinical Genetics Services, Murdoch Childrens Research Institute); PubMed 25589632 (cited by Victorian Clinical Genetics Services, Murdoch Childrens Research Institute).